The following is an entry in ClinVar:

ClinVar aggregate classification (germline): Uncertain significance (1 of 4 stars; one submission).

Submission:

GeneDx
Classification: Uncertain significance. Last evaluated: 2025-03-21. Review status: criteria provided, single submitter. Criteria: GeneDx Variant Classification Process June 2021. Collection method: clinical testing. Allele origin: germline. Affected: yes.
Comment: Not observed at significant frequency in large population cohorts (gnomAD); In silico analysis supports that this missense variant has a deleterious effect on protein structure/function; Has not been previously published as pathogenic or benign to our knowledge

NM_212552.3(BOLA3):c.305C>A (p.Thr102Asn)

Gene: BOLA3 (bolA family member 3; minus strand). Cytogenetic location: 2p13.1.
Variant type: single nucleotide variant.
Coding change: c.305C>A on transcript NM_212552.3 (MANE Select); coding-DNA position 305, C replaced by A.
Protein change: p.Thr102Asn; replaces threonine 102 with asparagine.
Molecular consequence: missense variant. On other transcripts: nonsense (1).
Genome position (GRCh38, 1-based): chr2:74,135,612, G>T on the plus strand (C>A on the coding strand, the complement: BOLA3 is on the minus strand). VCF-style: chr2-74135612-G-T. GRCh37 (hg19) VCF-style: chr2-74362739-G-T.
Other names: c.216C>A, p.Tyr72Ter (NM_001035505.2); short protein forms T102N, Y72*.
Identifiers: ClinVar variation 4086430 (VCV004086430.1).